The following is an entry in ClinVar:

ClinVar aggregate classification (germline): Conflicting classifications of pathogenicity. Review status: criteria provided, conflicting classifications (1 of 4 stars). 2 submissions from 2 submitters: Uncertain significance (1); Likely benign (1). Last evaluated 2026-07-09.

Conditions:
Tuberous sclerosis 1 (TSC1). Identifiers: Orphanet 805, MedGen C1854465, MONDO:0008612, OMIM 191100.
Hereditary cancer-predisposing syndrome. Also called: Hereditary Cancer Syndrome; Tumor predisposition; Neoplastic Syndromes, Hereditary; Hereditary neoplastic syndrome. Identifiers: Orphanet 140162, MedGen C0027672, MeSH D009386, MONDO:0015356.

Submissions (2):

Ambry Genetics
Classification: Likely benign for Hereditary cancer-predisposing syndrome. Last evaluated: 2026-07-09. Review status: criteria provided, single submitter. Criteria: Ambry Variant Classification Scheme 2023. Collection method: clinical testing. Allele origin: germline.

Labcorp Genetics (formerly Invitae), Labcorp
Classification: Uncertain significance for Tuberous sclerosis 1. Last evaluated: 2021-09-02. Review status: criteria provided, single submitter. Criteria: Invitae Variant Classification Sherloc (09022015). Collection method: clinical testing. Allele origin: germline.
Comment: This sequence change replaces isoleucine with valine at codon 807 of the TSC1 protein (p.Ile807Val). The isoleucine residue is moderately conserved and there is a small physicochemical difference between isoleucine and valine. This variant is not present in population databases (ExAC no frequency). This variant has not been reported in the literature in individuals affected with TSC1-related conditions. Algorithms developed to predict the effect of missense changes on protein structure and function output the following: SIFT: "Tolerated"; PolyPhen-2: "Benign"; Align-GVGD: "Class C0". The valine amino acid residue is found in multiple mammalian species, which suggests that this missense change does not adversely affect protein function. In summary, the available evidence is currently insufficient to determine the role of this variant in disease. Therefore, it has been classified as a Variant of Uncertain Significance.

NM_000368.5(TSC1):c.2419A>G (p.Ile807Val)

Gene: TSC1 (TSC complex subunit 1; minus strand). Cytogenetic location: 9q34.13.
Variant type: single nucleotide variant.
Coding change: c.2419A>G on transcript NM_000368.5 (MANE Select); coding-DNA position 2419, A replaced by G.
Protein change: p.Ile807Val; replaces isoleucine 807 with valine.
Molecular consequence: missense variant.
Genome position (GRCh38, 1-based): chr9:132,901,672, T>C on the plus strand (A>G on the coding strand, the complement: TSC1 is on the minus strand). VCF-style: chr9-132901672-T-C. GRCh37 (hg19) VCF-style: chr9-135777059-T-C.
Other names: c.2419A>G (NM_000368.4); c.2416A>G, p.Ile806Val (NM_001162426.2); c.2266A>G, p.Ile756Val (NM_001162427.2); c.2056A>G, p.Ile686Val (NM_001362177.2); short protein forms I807V, I686V, I756V, I806V.
Identifiers: ClinVar variation 1503523 (VCV001503523.7), dbSNP rs2131708365, ClinGen allele CA375358664.